The following is an entry in ClinVar:

NM_021831.6(AGBL5):c.737_740dup (p.Leu247fs)

Gene: AGBL5 (AGBL carboxypeptidase 5; plus strand). Cytogenetic location: 2p23.3.
Variant type: Duplication.
Coding change: c.737_740dup on transcript NM_021831.6 (MANE Select); coding-DNA positions 737 to 740, 4 bases duplicated (TCTT; older notation c.737_740dupTCTT).
Protein change: p.Leu247fs; shifts the reading frame from leucine 247.
Molecular consequence: frameshift variant. On other transcripts: non-coding transcript variant (2).
Genome position (GRCh38, 1-based): chr2:27,055,082-27,055,085, TCTT duplicated; duplicating any 4 consecutive bases within chr2:27,055,081-27,055,085 gives the same sequence; the c. name uses the placement nearest the transcript's 3' end. VCF-style (leftmost placement, unchanged base first): chr2-27055080-C-CTTCT. GRCh37 (hg19) VCF-style: chr2-27277948-C-CTTCT.
Other names: c.737_740dup, p.Leu247fs (NM_001035507.3); short protein forms L247fs.
Identifiers: ClinVar variation 4764192 (VCV004764192.1).

ClinVar aggregate classification (germline): Pathogenic (1 of 4 stars; one submission).

Submission:

Labcorp Genetics (formerly Invitae), Labcorp
Classification: Pathogenic. Last evaluated: 2025-11-19. Review status: criteria provided, single submitter. Criteria: Invitae Variant Classification Sherloc (09022015). Collection method: clinical testing. Allele origin: germline.
Comment: This sequence change creates a premature translational stop signal (p.Leu247Phefs*5) in the AGBL5 gene. It is expected to result in an absent or disrupted protein product. Loss-of-function variants in AGBL5 are known to be pathogenic (PMID: 27764769, 27842159, 39672920). This variant is not present in population databases (gnomAD no frequency). This variant has not been reported in the literature in individuals affected with AGBL5-related conditions. For these reasons, this variant has been classified as Pathogenic.

Literature cited by the submitters: PubMed 27764769; PubMed 27842159; PubMed 39672920.